The following is an entry in ClinVar:

NM_001378026.1(NBEAL1):c.4220T>C (p.Ile1407Thr)

Gene: NBEAL1 (neurobeachin like 1; plus strand). Cytogenetic location: 2q33.2.
Variant type: single nucleotide variant.
Coding change: c.4220T>C on transcript NM_001378026.1 (MANE Select); coding-DNA position 4220, T replaced by C.
Protein change: p.Ile1407Thr; replaces isoleucine 1407 with threonine.
Molecular consequence: missense variant.
Genome position (GRCh38, 1-based): chr2:203,136,083, T>C. VCF-style: chr2-203136083-T-C. GRCh37 (hg19) VCF-style: chr2-204000806-T-C.
Other names: c.4133T>C, p.Ile1378Thr (NM_001114132.2); short protein forms I1378T, I1407T.
Identifiers: ClinVar variation 3877826 (VCV003877826.9).
Genomic context (GRCh38, chr2:203,136,083, plus strand): 5'-AGAATCAAGAGGAATTCTGGCATAGTAACCCTTCACATTTGAGTTTAGACCTCAGTGGAA[T>C]TGACTCATGTGAAATGAGTGATAGTGGAAGTCAAGTGCCAGACAGTCTGCCTAGCACACC-3'
Protein context (NP_001364955.1, residues 1397-1417): PSHLSLDLSG[Ile1407Thr]DSCEMSDSGS

ClinVar aggregate classification (germline): Conflicting classifications of pathogenicity. Review status: criteria provided, conflicting classifications (1 of 4 stars). 2 submissions from 2 submitters: Uncertain significance (1); Likely benign (1). Last evaluated 2025-08-01.

gnomAD v4.1: 77 of 1,613,974 alleles (0.0048%); highest among the groups gnomAD compares: Admixed American, 0.083%; no homozygotes.

Submissions (2):

CeGaT Center for Human Genetics Tuebingen
Classification: Likely benign. Last evaluated: 2025-08-01. Review status: criteria provided, single submitter. Criteria: CeGaT Center For Human Genetics Tuebingen Variant Classification Criteria Version 2. Collection method: clinical testing. Allele origin: germline. Affected: yes. Observed: 1 variant allele.
Comment: NBEAL1: BP4

Ambry Genetics
Classification: Uncertain significance. Last evaluated: 2024-12-21. Review status: criteria provided, single submitter. Criteria: Ambry Variant Classification Scheme 2023. Collection method: clinical testing. Allele origin: germline.